The following is an entry in ClinVar:

ClinVar aggregate classification (germline): Uncertain significance (1 of 4 stars; one submission).

Conditions:
Global developmental delay (DD). Also called: Cognitive delay. Identifiers: MedGen C0557874, HP:0001263. Disease mechanism: loss of function.

Allele frequency attached by ClinVar (database versions not stated): gnomAD exomes below 0.00001.
gnomAD v4.1: 3 of 1,608,222 alleles (0.00019%); highest among the groups gnomAD compares: South Asian, 0.0033%; no homozygotes.

Submission:

Human Genetics Bochum, Ruhr University Bochum
Classification: Uncertain significance for Global developmental delay. Last evaluated: 2022-07-27. Review status: criteria provided, single submitter. Criteria: ACMG Guidelines, 2015. Collection method: clinical testing. Allele origin: germline. Affected: yes.
Comment: ACMG criteria used to clasify this variant: PM3, PM2_SUP

NM_033109.5(PNPT1):c.1514C>T (p.Ala505Val)

Gene: PNPT1 (polyribonucleotide nucleotidyltransferase 1; minus strand). Cytogenetic location: 2p16.1.
Variant type: single nucleotide variant.
Coding change: c.1514C>T on transcript NM_033109.5 (MANE Select); coding-DNA position 1514, C replaced by T.
Protein change: p.Ala505Val; replaces alanine 505 with valine.
Molecular consequence: missense variant.
Genome position (GRCh38, 1-based): chr2:55,647,435, G>A on the plus strand (C>T on the coding strand, the complement: PNPT1 is on the minus strand). VCF-style: chr2-55647435-G-A. GRCh37 (hg19) VCF-style: chr2-55874570-G-A.
Other names: short protein forms A505V.
Identifiers: ClinVar variation 1801706 (VCV001801706.1), dbSNP rs2529491021, ClinGen allele CA346926158.